The following is an entry in ClinVar:

ClinVar aggregate classification (germline): Uncertain significance. Review status: criteria provided, multiple submitters, no conflicts (2 of 4 stars). 3 submissions from 3 submitters: Uncertain significance (2). 1 of the submissions does not count toward it. Last evaluated 2025-05-15.

Conditions:
ABCC2-related disorder. Also called: ABCC2-related condition.
Inborn genetic diseases. Identifiers: MedGen C0950123, MeSH D030342.

Allele frequency attached by ClinVar (database versions not stated): ExAC 0.00004; gnomAD exomes 0.00005 and 0.00001; gnomAD 0.00001; TOPMed 0.00004.

Submissions (3):

Ambry Genetics
Classification: Uncertain significance for Inborn genetic diseases. Last evaluated: 2025-05-15. Review status: criteria provided, single submitter. Criteria: Ambry Variant Classification Scheme 2023. Collection method: clinical testing. Allele origin: germline.

Eurofins Ntd Llc (ga)
Classification: Uncertain significance. Last evaluated: 2017-09-15. Review status: criteria provided, single submitter. Criteria: EGL Classification Definitions 2015. Collection method: clinical testing. Allele origin: germline. Observed: 1 variant allele, 1 heterozygote.

PreventionGenetics, part of Exact Sciences
Classification: Uncertain significance for ABCC2-related condition. Last evaluated: 2024-02-09. Review status: no assertion criteria provided. Collection method: clinical testing. Allele origin: germline. Not counted in ClinVar's aggregate classification.
Comment: The ABCC2 c.4528G>A variant is predicted to result in the amino acid substitution p.Gly1510Arg. To our knowledge, this variant has not been reported in the literature. This variant is reported in 0.050% of alleles in individuals of East Asian descent in gnomAD. Although we suspect that this variant may be benign, at this time, the clinical significance of this variant is uncertain due to the absence of conclusive functional and genetic evidence.

NM_000392.5(ABCC2):c.4528G>A (p.Gly1510Arg)

Gene: ABCC2 (ATP binding cassette subfamily C member 2; plus strand). Cytogenetic location: 10q24.2.
Variant type: single nucleotide variant.
Coding change: c.4528G>A on transcript NM_000392.5 (MANE Select); coding-DNA position 4528, G replaced by A.
Protein change: p.Gly1510Arg; replaces glycine 1510 with arginine.
Molecular consequence: missense variant.
Genome position (GRCh38, 1-based): chr10:99,851,521, G>A. VCF-style: chr10-99851521-G-A. GRCh37 (hg19) VCF-style: chr10-101611278-G-A.
Other names: c.4528G>A, p.Gly1510Arg (LRG_1208t1); c.4528G>A (NM_000392.4, NM_000392.3); short protein forms G1510R.
Identifiers: ClinVar variation 594092 (VCV000594092.8), dbSNP rs751985179, ClinGen allele CA5644182.